The following is an entry in ClinVar:

NM_007294.4(BRCA1):c.5467+1_5467+16del

Gene: BRCA1 (BRCA1 DNA repair associated; minus strand). Cytogenetic location: 17q21.31.
Variant type: Deletion.
Coding change: c.5467+1_5467+16del on transcript NM_007294.4 (MANE Select); the canonical splice donor site of the intron after coding-DNA position 5467 through 16 bases into the intron after coding-DNA position 5467, 16 bases deleted (GTAAGGTGCCTGCATG).
Molecular consequence: splice donor variant.
Genome position (GRCh38, 1-based): chr17:43,047,627-43,047,642, CATGCAGGCACCTTAC deleted on the plus strand (GTAAGGTGCCTGCATG on the coding strand, the reverse complement: BRCA1 is on the minus strand); deleting any 16 consecutive bases within chr17:43,047,627-43,047,646 gives the same sequence; the c. name uses the placement nearest the transcript's 3' end. VCF-style (leftmost placement, unchanged base first): chr17-43047626-ACATGCAGGCACCTTAC-A. GRCh37 (hg19) VCF-style: chr17-41199643-ACATGCAGGCACCTTAC-A.
Other names: c.5323+1_5323+16del (NM_001407732.1, NM_001407747.1, NM_001407745.1 and 18 more transcripts); c.5326+1_5326+16del (NM_001407698.1, NM_001407728.1, NM_007297.4 and 12 more transcripts); c.2077+1_2077+16del (NM_001408413.1, NM_001408412.1, NM_001408416.1 and 2 more transcripts); c.5383+1_5383+16del (NM_001407660.1, NM_001407661.1, NM_001407663.1 and 2 more transcripts); c.2146+1_2146+16del (NM_001408409.1); c.1954+1_1954+16del (NM_001408476.1, NM_001408475.1); c.1957+1_1957+16del (NM_001408474.1); c.5266+1_5266+16del (NM_001407862.1); and 84 more.
Identifiers: ClinVar variation 1172074 (VCV001172074.6), dbSNP rs2152760370, ClinGen allele CA2499224347.

ClinVar aggregate classification (germline): Pathogenic/Likely pathogenic. Review status: criteria provided, multiple submitters, no conflicts (2 of 4 stars). 2 submissions from 2 submitters: Pathogenic (1); Likely pathogenic (1). Last evaluated 2024-09-11.

Conditions:
Hereditary cancer-predisposing syndrome. Also called: Tumor predisposition; Hereditary neoplastic syndrome; Hereditary Cancer Syndrome; Neoplastic Syndromes, Hereditary. Identifiers: Orphanet 140162, MedGen C0027672, MeSH D009386, MONDO:0015356.

Submissions (2):

Ambry Genetics
Classification: Pathogenic for Hereditary cancer-predisposing syndrome. Last evaluated: 2024-09-11. Review status: criteria provided, single submitter. Criteria: Ambry Variant Classification Scheme 2023. Collection method: clinical testing. Allele origin: germline.
Comment: The c.5467+1_5467+16del16 pathogenic mutation results from a deletion of 16 nucleotides between positions c.5467+1 and c.5467+16 and involves the canonical donor site after coding exon 21 of the BRCA1 gene. This alteration occurs at the 3' terminus of the BRCA1 gene, is not expected to trigger nonsense-mediated mRNA decay, and only impacts the last 3.3% of the protein. The exact functional effect of this alteration is unknown; however, the impacted region is critical for protein function (Ambry internal data). This variant is considered to be rare based on population cohorts in the Genome Aggregation Database (gnomAD). This nucleotide region is well conserved in available vertebrate species. In silico splice site analysis predicts that this alteration will weaken the native splice donor site; however, direct evidence is insufficient at this time (Ambry internal data). Alterations that disrupt the canonical splice site are expected to cause aberrant splicing, resulting in an abnormal protein or a transcript that is subject to nonsense-mediated mRNA decay. As such, this alteration is interpreted as a disease-causing mutation.

Color Diagnostics, LLC DBA Color Health
Classification: Likely pathogenic for Hereditary cancer-predisposing syndrome. Last evaluated: 2020-10-04. Review status: criteria provided, single submitter. Criteria: ACMG Guidelines, 2015. Collection method: clinical testing. Allele origin: germline.
Comment: This variant causes deletion of nucleotides at the +1 to +16 position in intron 22 of the BRCA1 gene. Splice site prediction tools suggest that this variant may have a significant impact on RNA splicing. Although this prediction has not been confirmed in published RNA studies, this variant is expected to result in an absent or disrupted protein product. This variant has not been reported in individuals affected with hereditary cancer in the literature. This variant has not been identified in the general population by the Genome Aggregation Database (gnomAD). Loss of BRCA1 function is a known mechanism of disease. Based on the available evidence, this variant is classified as Likely Pathogenic.